The following is an entry in ClinVar:

ClinVar aggregate classification (germline): Uncertain significance (1 of 4 stars; one submission).

Allele frequency attached by ClinVar (database versions not stated): gnomAD exomes below 0.00001; TOPMed below 0.00001.
gnomAD v4.1: 5 of 1,451,174 alleles (0.00034%); highest among the groups gnomAD compares: Non-Finnish European, 0.00037%; no homozygotes.

Submission:

Labcorp Genetics (formerly Invitae), Labcorp
Classification: Uncertain significance. Last evaluated: 2023-12-13. Review status: criteria provided, single submitter. Criteria: Invitae Variant Classification Sherloc (09022015). Collection method: clinical testing. Allele origin: germline.
Comment: This sequence change affects codon 63 of the KCNK4 mRNA. It is a 'silent' change, meaning that it does not change the encoded amino acid sequence of the KCNK4 protein. This variant also falls at the last nucleotide of exon 2, which is part of the consensus splice site for this exon. This variant is not present in population databases (gnomAD no frequency). This variant has not been reported in the literature in individuals affected with KCNK4-related conditions. Variants that disrupt the consensus splice site are a relatively common cause of aberrant splicing (PMID: 17576681, 9536098). Algorithms developed to predict the effect of sequence changes on RNA splicing suggest that this variant may disrupt the consensus splice site. In summary, the available evidence is currently insufficient to determine the role of this variant in disease. Therefore, it has been classified as a Variant of Uncertain Significance.

Literature cited by the submitters: PubMed 17576681; PubMed 9536098.

NM_033310.3(KCNK4):c.189G>A (p.Lys63=)

Genes: KCNK4 (potassium two pore domain channel subfamily K member 4; plus strand), KCNK4-CATSPERZ (KCNK4-CATSPERZ readthrough (NMD candidate); plus strand). Cytogenetic location: 11q13.1.
Variant type: single nucleotide variant.
Coding change: c.189G>A on transcript NM_033310.3 (MANE Select); coding-DNA position 189, G replaced by A.
Protein change: p.Lys63=; no amino-acid change (lysine 63 retained).
Molecular consequence: synonymous variant. On other transcripts: non-coding transcript variant (2).
Genome position (GRCh38, 1-based): chr11:64,293,207, G>A. VCF-style: chr11-64293207-G-A. GRCh37 (hg19) VCF-style: chr11-64060679-G-A.
Other names: c.189G>A, p.Lys63= (NM_001317090.2, NM_033311.1).
Identifiers: ClinVar variation 2702657 (VCV002702657.3), dbSNP rs2034683473, ClinGen allele CA474946152.
Genomic context (GRCh38, chr11:64,293,207, plus strand): 5'-AGAGAAGTTCCTGAGGGCCCATCCGTGTGTGAGCGACCAGGAGCTGGGCCTCCTCATCAA[G>A]GTGCGTGGGTGGGCCGCAGCCCCTTCAGCTGTCACCCATCACCCCTGGCGCTAGCTGTGT-3'
Protein context (NP_201567.1, residues 53-73): VSDQELGLLI[Lys63=]EVADALGGGA